The following is an entry in ClinVar:

ClinVar aggregate classification (germline): Uncertain significance (1 of 4 stars; one submission).

Submission:

Dasa
Classification: Uncertain significance. Last evaluated: 2026-04-05. Review status: criteria provided, single submitter. Criteria: DASA Assertion Criteria. Collection method: clinical testing. Allele origin: germline.
Comment: NM_133433.4(NIPBL):c.7478G>C (p.Ser2493Thr) is a missense variant that results in the substitution of serine with threonine. This variant is absent from population databases. The currently available literature and clinical evidence are not sufficient to establish a definitive association between this variant and the reported condition. Therefore, this variant is classified as a variant of uncertain significance.

NM_133433.4(NIPBL):c.7478G>C (p.Ser2493Thr)

Gene: NIPBL (NIPBL cohesin loading factor; plus strand). Cytogenetic location: 5p13.2.
Variant type: single nucleotide variant.
Coding change: c.7478G>C on transcript NM_133433.4 (MANE Select); coding-DNA position 7478, G replaced by C.
Protein change: p.Ser2493Thr; replaces serine 2493 with threonine.
Molecular consequence: missense variant.
Genome position (GRCh38, 1-based): chr5:37,058,958, G>C. VCF-style: chr5-37058958-G-C. GRCh37 (hg19) VCF-style: chr5-37059060-G-C.
Other names: c.7478G>C, p.Ser2493Thr (NM_001438586.1, NM_015384.5); short protein forms S2493T.
Identifiers: ClinVar variation 4881003 (VCV004881003.2).